The following is an entry in ClinVar:

ClinVar aggregate classification (germline): Uncertain significance (1 of 4 stars; one submission).

Conditions:
Dilated cardiomyopathy 1O (CMD1O). Also called: CARDIOMYOPATHY, DILATED, WITH VENTRICULAR TACHYCARDIA. Identifiers: Orphanet 154, MedGen C1837839, MONDO:0012062, OMIM 608569.

Allele frequency attached by ClinVar (database versions not stated): gnomAD exomes below 0.00001; TOPMed below 0.00001; gnomAD 0.00001.
gnomAD v4.1: 5 of 1,613,900 alleles (0.00031%); highest among the groups gnomAD compares: Admixed American, 0.0017%; no homozygotes.

Submission:

Labcorp Genetics (formerly Invitae), Labcorp
Classification: Uncertain significance for Dilated cardiomyopathy 1O. Last evaluated: 2023-07-17. Review status: criteria provided, single submitter. Criteria: Invitae Variant Classification Sherloc (09022015). Collection method: clinical testing. Allele origin: germline.
Comment: In summary, the available evidence is currently insufficient to determine the role of this variant in disease. Therefore, it has been classified as a Variant of Uncertain Significance. Advanced modeling of protein sequence and biophysical properties (such as structural, functional, and spatial information, amino acid conservation, physicochemical variation, residue mobility, and thermodynamic stability) performed at Invitae indicates that this missense variant is expected to disrupt ABCC9 protein function. This variant has not been reported in the literature in individuals affected with ABCC9-related conditions. This variant is not present in population databases (gnomAD no frequency). This sequence change replaces valine, which is neutral and non-polar, with glycine, which is neutral and non-polar, at codon 1464 of the ABCC9 protein (p.Val1464Gly).

NM_020297.4(ABCC9):c.4391T>G (p.Val1464Gly)

Genes: ABCC9 (ATP binding cassette subfamily C member 9; minus strand), KCNJ8-AS1 (KCNJ8 antisense RNA 1; plus strand). Cytogenetic location: 12p12.1.
Variant type: single nucleotide variant.
Coding change: c.4391T>G on transcript NM_020297.4 (MANE Select); coding-DNA position 4391, T replaced by G.
Protein change: p.Val1464Gly; replaces valine 1464 with glycine.
Molecular consequence: missense variant.
Genome position (GRCh38, 1-based): chr12:21,807,404, A>C on the plus strand (T>G on the coding strand, the complement: ABCC9 is on the minus strand). VCF-style: chr12-21807404-A-C. GRCh37 (hg19) VCF-style: chr12-21960338-A-C.
Other names: c.4391T>G, p.Val1464Gly (NM_001377273.1, NM_005691.4); c.3524T>G, p.Val1175Gly (NM_001377274.1); short protein forms V1464G, V1175G.
Identifiers: ClinVar variation 2961214 (VCV002961214.3), dbSNP rs1941930083, ClinGen allele CA384131699.